The following is an entry in ClinVar:

NM_020708.5(SLC12A5):c.267G>C (p.Lys89Asn)

Gene: SLC12A5 (solute carrier family 12 member 5; plus strand). Cytogenetic location: 20q13.12.
Variant type: single nucleotide variant.
Coding change: c.267G>C on transcript NM_020708.5 (MANE Select); coding-DNA position 267, G replaced by C.
Protein change: p.Lys89Asn; replaces lysine 89 with asparagine.
Molecular consequence: missense variant.
Genome position (GRCh38, 1-based): chr20:46,035,523, G>C. VCF-style: chr20-46035523-G-C. GRCh37 (hg19) VCF-style: chr20-44664162-G-C.
Other names: c.336G>C, p.Lys112Asn (NM_001134771.2); short protein forms K112N, K89N.
Identifiers: ClinVar variation 3052720 (VCV003052720.2), dbSNP rs762781492, ClinGen allele CA409187429.
Genomic context (GRCh38, chr20:46,035,523, plus strand): 5'-CAACCTGCCCCAGGGAAGTAGGGAGCATGAAGAGGCAGAAAACAATGAGGGTGGAAAAAA[G>C]AAGCCGGTGCAGGTGAGGACCTCGGGGGATGAGAAATGGAAGAAAAGGGACGGATGGGGG-3'
Protein context (NP_065759.1, residues 79-99): EEAENNEGGK[Lys89Asn]KPVQAPRMGT

ClinVar aggregate classification (germline): Uncertain significance (0 of 4 stars; one submission).

Conditions:
SLC12A5-related disorder. Also called: SLC12A5-related condition.

Allele frequency attached by ClinVar (database versions not stated): TOPMed 0.00001.

Submission:

PreventionGenetics, part of Exact Sciences
Classification: Uncertain significance for SLC12A5-related condition. Last evaluated: 2024-01-12. Review status: no assertion criteria provided. Collection method: clinical testing. Allele origin: germline.
Comment: The SLC12A5 c.267G>C variant is predicted to result in the amino acid substitution p.Lys89Asn. To our knowledge, this variant has not been reported in the literature or in a large population database, indicating this variant is rare. At this time, the clinical significance of this variant is uncertain due to the absence of conclusive functional and genetic evidence.